The following is an entry in ClinVar:

NM_001365536.1(SCN9A):c.5376T>A (p.Asp1792Glu)

Genes: SCN9A (sodium voltage-gated channel alpha subunit 9; minus strand), SCN1A-AS1 (SCN1A and SCN9A antisense RNA 1; plus strand). Cytogenetic location: 2q24.3.
Variant type: single nucleotide variant.
Coding change: c.5376T>A on transcript NM_001365536.1 (MANE Select); coding-DNA position 5376, T replaced by A.
Protein change: p.Asp1792Glu; replaces aspartic acid 1792 with glutamic acid.
Molecular consequence: missense variant.
Genome position (GRCh38, 1-based): chr2:166,199,263, A>T on the plus strand (T>A on the coding strand, the complement: SCN9A is on the minus strand). VCF-style: chr2-166199263-A-T. GRCh37 (hg19) VCF-style: chr2-167055773-A-T.
Other names: c.5343T>A, p.Asp1781Glu (NM_002977.4); short protein forms D1781E, D1792E.
Identifiers: ClinVar variation 936292 (VCV000936292.10), dbSNP rs1479850648, ClinGen allele CA349053174.
Genomic context (GRCh38, chr2:166,199,263, plus strand): 5'-AGGAGGATCCAGGGCAGCTGCAAAATCAGAGAGTTTAGAGAACTCTATAAACTGGGTCGC[A>T]TCGGGATCAAACTTCTCCCAAACCTCATAGAACATCTCAAAGTCATCCTCACTCAGAGGT-3'
Protein context (NP_001352465.1, residues 1782-1802): FYEVWEKFDP[Asp1792Glu]ATQFIEFSKL

ClinVar aggregate classification (germline): Uncertain significance (1 of 4 stars; one submission).

Conditions:
Neuropathy, hereditary sensory and autonomic, type 2A (HSAN2A). Also called: WNK1-Related HSAN2 (HSAN2A); ACROOSTEOLYSIS, GIACCAI TYPE; ACROOSTEOLYSIS, NEUROGENIC; HSAN IIA; NEUROPATHY, CONGENITAL SENSORY; NEUROPATHY, HEREDITARY SENSORY RADICULAR, AUTOSOMAL RECESSIVE. Identifiers: Orphanet 970, MedGen C2752089, MONDO:0024309, OMIM 201300.
Generalized epilepsy with febrile seizures plus, type 7 (GEFSP7). Also called: GEFS+, TYPE 7. Identifiers: Orphanet 36387, MedGen C2751778, MONDO:0013470, OMIM 613863.

Submission:

Labcorp Genetics (formerly Invitae), Labcorp
Classification: Uncertain significance for Neuropathy, hereditary sensory and autonomic, type 2A; Generalized epilepsy with febrile seizures plus, type 7. Last evaluated: 2022-03-03. Review status: criteria provided, single submitter. Criteria: Invitae Variant Classification Sherloc (09022015). Collection method: clinical testing. Allele origin: germline.
Comment: This sequence change replaces aspartic acid, which is acidic and polar, with glutamic acid, which is acidic and polar, at codon 1781 of the SCN9A protein (p.Asp1781Glu). This variant is not present in population databases (gnomAD no frequency). This variant has not been reported in the literature in individuals affected with SCN9A-related conditions. In summary, the available evidence is currently insufficient to determine the role of this variant in disease. Therefore, it has been classified as a Variant of Uncertain Significance. Algorithms developed to predict the effect of missense changes on protein structure and function (SIFT, PolyPhen-2, Align-GVGD) all suggest that this variant is likely to be tolerated. ClinVar contains an entry for this variant (Variation ID: 936292).